The following is an entry in ClinVar:

ClinVar aggregate classification (germline): Uncertain significance (1 of 4 stars; one submission).

Conditions:
Multiple acyl-CoA dehydrogenase deficiency (MADD). Also called: ETHYLMALONIC-ADIPICACIDURIA; GA II; Glutaric acidemia type II; GA 2; Glutaric Acidemia type 2; Glutaric aciduria, type 2. Identifiers: Orphanet 26791, MedGen C0268596, MONDO:0009282, OMIM 231680.

gnomAD v4.1: 1 of 1,612,748 alleles (0.000062%); highest among the groups gnomAD compares: African/African-American, 0.0013%; no homozygotes.

Submission:

ARUP Laboratories, Molecular Genetics and Genomics, ARUP Laboratories
Classification: Uncertain significance for Multiple acyl-CoA dehydrogenase deficiency. Last evaluated: 2024-08-17. Review status: criteria provided, single submitter. Criteria: ARUP Molecular Germline Variant Investigation Process 2024. Collection method: clinical testing. Allele origin: germline.
Comment: The ETFA c.186+5G>A variant (rs777332340), to our knowledge, is not reported in the medical literature or gene specific databases. This variant is only observed on two alleles in the Genome Aggregation Database (v2.1.1), indicating it is not a common polymorphism. This is an intronic variant and computational analyses (Alamut Visual Plus v.1.5.1) predict that this variant may impact splicing by weakening the nearby canonical donor splice site. Due to limited information, the clinical significance of this variant is uncertain at this time.

NM_000126.4(ETFA):c.186+5G>A

Gene: ETFA (electron transfer flavoprotein subunit alpha; minus strand). Cytogenetic location: 15q24.2.
Variant type: single nucleotide variant.
Coding change: c.186+5G>A on transcript NM_000126.4 (MANE Select); 5 bases into the intron after coding-DNA position 186, G replaced by A.
Molecular consequence: intron variant.
Genome position (GRCh38, 1-based): chr15:76,295,586, C>T on the plus strand (G>A on the coding strand, the complement: ETFA is on the minus strand). VCF-style: chr15-76295586-C-T. GRCh37 (hg19) VCF-style: chr15-76587927-C-T.
Other names: c.40-2886G>A (NM_001127716.2).
Identifiers: ClinVar variation 3766789 (VCV003766789.1).